The following is an entry in ClinVar:

ClinVar aggregate classification (germline): Uncertain significance. Review status: criteria provided, single submitter (1 of 4 stars). 2 submissions from 2 submitters: Uncertain significance (1). 1 of the submissions does not count toward it. Last evaluated 2022-08-16.

Conditions:
Beta-D-mannosidosis (MANSB). Also called: MANNOSIDOSIS, BETA A, LYSOSOMAL; BETA-MANNOSIDASE DEFICIENCY; LYSOSOMAL BETA-MANNOSIDASE DEFICIENCY; Beta-Mannosidosis. Identifiers: Orphanet 118, MedGen C4048196, MONDO:0009562, OMIM 248510.
Meniere disease. Also called: Ménière's disease. Identifiers: MedGen C0025281, MONDO:0007972, OMIM 156000.

Allele frequency attached by ClinVar (database versions not stated): ExAC 0.00007; TOPMed 0.00011; gnomAD exomes 0.00006; gnomAD 0.00008; 1000 Genomes Project 0.00020; 1000 Genomes Project 30x 0.00031.
gnomAD v4.1: 84 of 1,614,076 alleles (0.0052%); highest among the groups gnomAD compares: Admixed American, 0.023%; no homozygotes.

Submissions (2):

Labcorp Genetics (formerly Invitae), Labcorp
Classification: Uncertain significance for Beta-D-mannosidosis. Last evaluated: 2022-08-16. Review status: criteria provided, single submitter. Criteria: Invitae Variant Classification Sherloc (09022015). Collection method: clinical testing. Allele origin: germline.
Comment: This sequence change replaces arginine, which is basic and polar, with histidine, which is basic and polar, at codon 639 of the MANBA protein (p.Arg639His). This variant is present in population databases (rs536744758, gnomAD 0.02%). This variant has not been reported in the literature in individuals affected with MANBA-related conditions. ClinVar contains an entry for this variant (Variation ID: 1417477). Algorithms developed to predict the effect of missense changes on protein structure and function are either unavailable or do not agree on the potential impact of this missense change (SIFT: "Deleterious"; PolyPhen-2: "Benign"; Align-GVGD: "Class C0"). In summary, the available evidence is currently insufficient to determine the role of this variant in disease. Therefore, it has been classified as a Variant of Uncertain Significance.

Center for Computational Biology & Bioinformatics, University of California, San Diego
Classification: Uncertain significance for Meniere disease. Last evaluated: 2024-06-03. Review status: no assertion criteria provided. Collection method: research. Allele origin: germline. Affected: yes. Not counted in ClinVar's aggregate classification.

NM_005908.4(MANBA):c.1916G>A (p.Arg639His)

Gene: MANBA (mannosidase beta; minus strand). Cytogenetic location: 4q24.
Variant type: single nucleotide variant.
Coding change: c.1916G>A on transcript NM_005908.4 (MANE Select); coding-DNA position 1916, G replaced by A.
Protein change: p.Arg639His; replaces arginine 639 with histidine.
Molecular consequence: missense variant.
Genome position (GRCh38, 1-based): chr4:102,639,811, C>T on the plus strand (G>A on the coding strand, the complement: MANBA is on the minus strand). VCF-style: chr4-102639811-C-T. GRCh37 (hg19) VCF-style: chr4-103560968-C-T.
Other names: short protein forms R639H.
Identifiers: ClinVar variation 1417477 (VCV001417477.4), dbSNP rs536744758, ClinGen allele CA3026758.